The following is an entry in ClinVar:

NM_001277115.2(DNAH11):c.11839+57del

Gene: DNAH11 (dynein axonemal heavy chain 11; plus strand). Cytogenetic location: 7p15.3.
Variant type: Deletion.
Coding change: c.11839+57del on transcript NM_001277115.2 (MANE Select); 57 bases into the intron after coding-DNA position 11839, one base deleted (C; older notation c.11839+57delC).
Molecular consequence: intron variant.
Genome position (GRCh38, 1-based): chr7:21,868,064, C deleted; the last of 5 consecutive C bases (chr7:21,868,060-21,868,064); deleting any one gives the same sequence. VCF-style (leftmost placement, unchanged base first): chr7-21868059-AC-A. GRCh37 (hg19) VCF-style: chr7-21907677-AC-A.
Identifiers: ClinVar variation 1707159 (VCV001707159.2), dbSNP rs35003392, ClinGen allele CA155142298.

ClinVar aggregate classification (germline): Likely benign (1 of 4 stars; one submission).

Submission:

GeneDx
Classification: Likely benign. Last evaluated: 2021-11-16. Review status: criteria provided, single submitter. Criteria: GeneDx Variant Classification Process June 2021. Collection method: clinical testing. Allele origin: germline. Affected: yes.
Comment: See Variant Classification Assertion Criteria.